The following is an entry in ClinVar:

NM_001148.6(ANK2):c.2900+5135G>A

Gene: ANK2 (ankyrin 2; plus strand). Cytogenetic location: 4q26.
Variant type: single nucleotide variant.
Coding change: c.2900+5135G>A on transcript NM_001148.6 (MANE Select); 5135 bases into the intron after coding-DNA position 2900, G replaced by A.
Molecular consequence: intron variant.
Genome position (GRCh38, 1-based): chr4:113,323,755, G>A. VCF-style: chr4-113323755-G-A. GRCh37 (hg19) VCF-style: chr4-114244911-G-A.
Other names: c.2885+5135G>A (NM_001386186.2, NM_001386148.2); c.2687+5135G>A (NM_001354269.3); c.2864+5135G>A (NM_001386187.2); c.2858+5135G>A (NM_001386147.1, NM_001354261.2); c.2843+5135G>A (NM_001386160.1); c.2849+5135G>A (NM_001354254.2); c.2835-4G>A (NM_001354239.2, NM_001354252.2, NM_001354272.2); c.2834+5135G>A (NM_001354244.2, NM_001354256.2, NM_001386161.1); and 24 more.
Identifiers: ClinVar variation 136388 (VCV000136388.4), dbSNP rs139641776, ClinGen allele CA289448.
Genomic context (GRCh38, chr4:113,323,755, plus strand): 5'-GTTCCTTCCTTATATTTCACTTTATCCGTTCCTTCTCTGTGCTAAAGTATCTATTCTGTT[G>A]CAGCCGCGCCTCTCCATGTCTTGAACGTGACAACAGCAGGTGAACTACTGCATAATTCTT-3'

ClinVar aggregate classification (germline): Benign/Likely benign. Review status: criteria provided, multiple submitters, no conflicts (2 of 4 stars). 3 submissions from 3 submitters: Benign (1); Likely benign (1). 1 of the submissions does not count toward it. Last evaluated 2024-07-18.

Conditions:
ANK2-related disorder. Also called: ANK2-related condition.

Allele frequency attached by ClinVar (database versions not stated): gnomAD exomes 0.00004 and 0.00012; ExAC 0.00012; ESP Exome Variant Server 0.00039; gnomAD 0.00050 and 0.00054; TOPMed 0.00056; 1000 Genomes Project 0.00100; 1000 Genomes Project 30x 0.00109.
gnomAD v4.1: 141 of 1,611,012 alleles (0.0088%); highest among the groups gnomAD compares: African/African-American, 0.14%; no homozygotes.

Submissions (3):

Blueprint Genetics
Classification: Likely benign. Last evaluated: 2024-07-18. Review status: criteria provided, single submitter. Criteria: ACMG Guidelines, 2015. Collection method: clinical testing. Allele origin: germline.

GeneDx
Classification: Benign. Last evaluated: 2013-12-03. Review status: criteria provided, single submitter. Criteria: GeneDx Variant Classification (06012015). Collection method: clinical testing. Allele origin: germline. Affected: yes.
Comment: This variant is considered likely benign or benign based on one or more of the following criteria: it is a conservative change, it occurs at a poorly conserved position in the protein, it is predicted to be benign by multiple in silico algorithms, and/or has population frequency not consistent with disease.

PreventionGenetics, part of Exact Sciences
Classification: Likely benign for ANK2-related condition. Last evaluated: 2021-07-01. Review status: no assertion criteria provided. Collection method: clinical testing. Allele origin: germline. Not counted in ClinVar's aggregate classification.
Comment: This variant is classified as likely benign based on ACMG/AMP sequence variant interpretation guidelines (Richards et al. 2015 PMID: 25741868, with internal and published modifications).